The following is an entry in ClinVar:

NM_000379.4(XDH):c.157G>C (p.Val53Leu)

Gene: XDH (xanthine dehydrogenase; minus strand). Cytogenetic location: 2p23.1.
Variant type: single nucleotide variant.
Coding change: c.157G>C on transcript NM_000379.4 (MANE Select); coding-DNA position 157, G replaced by C.
Protein change: p.Val53Leu; replaces valine 53 with leucine.
Molecular consequence: missense variant.
Genome position (GRCh38, 1-based): chr2:31,403,088, C>G on the plus strand (G>C on the coding strand, the complement: XDH is on the minus strand). VCF-style: chr2-31403088-C-G. GRCh37 (hg19) VCF-style: chr2-31625954-C-G.
Other names: c.157G>C (NM_000379.3); short protein forms V53L.
Identifiers: ClinVar variation 2174629 (VCV002174629.5), dbSNP rs1036819861, ClinGen allele CA44733677.

ClinVar aggregate classification (germline): Uncertain significance. Review status: criteria provided, multiple submitters, no conflicts (2 of 4 stars). 2 submissions from 2 submitters: Uncertain significance (2). Last evaluated 2024-10-29.

Conditions:
Xanthinuria type II. Also called: Xanthine dehydrogenase and aldehyde oxidase combined deficiency of; XDH and AOX dual deficiency. Identifiers: Orphanet 3467, Orphanet 93602, MedGen C1863688, MONDO:0011346, OMIM 603592.
Inborn genetic diseases. Identifiers: MedGen C0950123, MeSH D030342.

Allele frequency attached by ClinVar (database versions not stated): TOPMed 0.00004.
gnomAD v4.1: 6 of 1,614,080 alleles (0.00037%); highest among the groups gnomAD compares: Admixed American, 0.0083%; no homozygotes.

Submissions (2):

Ambry Genetics
Classification: Uncertain significance for Inborn genetic diseases. Last evaluated: 2024-10-29. Review status: criteria provided, single submitter. Criteria: Ambry Variant Classification Scheme 2023. Collection method: clinical testing. Allele origin: germline.

Labcorp Genetics (formerly Invitae), Labcorp
Classification: Uncertain significance for Xanthinuria type II. Last evaluated: 2024-04-10. Review status: criteria provided, single submitter. Criteria: Invitae Variant Classification Sherloc (09022015). Collection method: clinical testing. Allele origin: germline.
Comment: This sequence change replaces valine, which is neutral and non-polar, with leucine, which is neutral and non-polar, at codon 53 of the XDH protein (p.Val53Leu). This variant is not present in population databases (gnomAD no frequency). This variant has not been reported in the literature in individuals affected with XDH-related conditions. ClinVar contains an entry for this variant (Variation ID: 2174629). An algorithm developed to predict the effect of missense changes on protein structure and function (PolyPhen-2) suggests that this variant is likely to be disruptive. In summary, the available evidence is currently insufficient to determine the role of this variant in disease. Therefore, it has been classified as a Variant of Uncertain Significance.